The following is an entry in ClinVar:

NM_001354930.2(RIPK1):c.929A>G (p.Asn310Ser)

Gene: RIPK1 (receptor interacting serine/threonine kinase 1; plus strand). Cytogenetic location: 6p25.2.
Variant type: single nucleotide variant.
Coding change: c.929A>G on transcript NM_001354930.2 (MANE Select); coding-DNA position 929, A replaced by G.
Protein change: p.Asn310Ser; replaces asparagine 310 with serine.
Molecular consequence: missense variant.
Genome position (GRCh38, 1-based): chr6:3,104,238, A>G. VCF-style: chr6-3104238-A-G. GRCh37 (hg19) VCF-style: chr6-3104472-A-G.
Other names: c.440A>G, p.Asn147Ser (NM_001317061.3, NM_001354932.2, NM_001354933.2 and 1 more transcripts); c.791A>G, p.Asn264Ser (NM_001354931.2); c.929A>G, p.Asn310Ser (NM_003804.6); short protein forms N310S, N147S, N264S.
Identifiers: ClinVar variation 2821798 (VCV002821798.3), dbSNP rs2533331547, ClinGen allele CA362569982.

ClinVar aggregate classification (germline): Uncertain significance (1 of 4 stars; one submission).

Submission:

Labcorp Genetics (formerly Invitae), Labcorp
Classification: Uncertain significance. Last evaluated: 2022-12-17. Review status: criteria provided, single submitter. Criteria: Invitae Variant Classification Sherloc (09022015). Collection method: clinical testing. Allele origin: germline.
Comment: This sequence change replaces asparagine, which is neutral and polar, with serine, which is neutral and polar, at codon 310 of the RIPK1 protein (p.Asn310Ser). This variant is not present in population databases (gnomAD no frequency). This variant has not been reported in the literature in individuals affected with RIPK1-related conditions. Algorithms developed to predict the effect of missense changes on protein structure and function output the following: SIFT: "Not Available"; PolyPhen-2: "Benign"; Align-GVGD: "Not Available". The serine amino acid residue is found in multiple mammalian species, which suggests that this missense change does not adversely affect protein function. In summary, the available evidence is currently insufficient to determine the role of this variant in disease. Therefore, it has been classified as a Variant of Uncertain Significance.